The following is an entry in ClinVar:

ClinVar aggregate classification (germline): Likely benign (1 of 4 stars; one submission).

Conditions:
CEP164-related disorder. Also called: CEP164-related condition.

gnomAD v4.1: 2 of 1,614,196 alleles (0.00012%); highest among the groups gnomAD compares: Non-Finnish European, 0.00017%; no homozygotes.

Submission:

PreventionGenetics, part of Exact Sciences
Classification: Likely benign for CEP164-related condition. Last evaluated: 2026-08-13. Review status: criteria provided, single submitter. Criteria: ACMG Guidelines, 2015. Collection method: clinical testing. Allele origin: germline.
Comment: This variant is classified as likely benign based on ACMG/AMP sequence variant interpretation guidelines (Richards et al. 2015 PMID: 25741868, with internal and published modifications).

NM_014956.5(CEP164):c.1827C>T (p.His609=)

Gene: CEP164 (centrosomal protein 164; plus strand). Cytogenetic location: 11q23.3.
Variant type: single nucleotide variant.
Coding change: c.1827C>T on transcript NM_014956.5 (MANE Select); coding-DNA position 1827, C replaced by T.
Protein change: p.His609=; no amino-acid change (histidine 609 retained).
Molecular consequence: synonymous variant. On other transcripts: intron variant (6).
Genome position (GRCh38, 1-based): chr11:117,387,305, C>T. VCF-style: chr11-117387305-C-T. GRCh37 (hg19) VCF-style: chr11-117258021-C-T.
Other names: c.1836C>T, p.His612= (NM_001271933.2, NM_001440949.1); c.1827C>T, p.His609= (NM_001440950.1, NM_001440951.1, NM_001440953.1); c.1662C>T, p.His554= (NM_001440952.1, NM_001440968.1, NM_001440969.1); c.1749C>T, p.His583= (NM_001440954.1, NM_001440955.1, NM_001440958.1 and 1 more transcripts); c.1740C>T, p.His580= (NM_001440956.1, NM_001440957.1); c.1698C>T, p.His566= (NM_001440960.1); c.1689C>T, p.His563= (NM_001440961.1, NM_001440967.1); c.1680C>T, p.His560= (NM_001440962.1, NM_001440963.1, NM_001440964.1 and 4 more transcripts); and 7 more.
Identifiers: ClinVar variation 4984002 (VCV004984002.1).
Genomic context (GRCh38, chr11:117,387,305, plus strand): 5'-GGCTGCACTAAAGGCCATGGAAGAGGCAGTGGCCCAAGTACTCGAGCAAGACCAGAGGCA[C>T]CTGCTGGAATCCAAGCAAGAGAAGATGCAGCAACTGCGGGAGAAGCTGTGCCAAGAGGAG-3'
Protein context (NP_055771.4, residues 599-619): VAQVLEQDQR[His609=]LLESKQEKMQ